The following is an entry in ClinVar:

ClinVar aggregate classification (germline): Pathogenic (1 of 4 stars; one submission).

Submission:

Labcorp Genetics (formerly Invitae), Labcorp
Classification: Pathogenic. Last evaluated: 2022-04-13. Review status: criteria provided, single submitter. Criteria: Invitae Variant Classification Sherloc (09022015). Collection method: clinical testing. Allele origin: germline.
Comment: This sequence change creates a premature translational stop signal (p.Ser119Profs*41) in the ABCA4 gene. It is expected to result in an absent or disrupted protein product. Loss-of-function variants in ABCA4 are known to be pathogenic (PMID: 10958761, 24938718, 25312043, 26780318). For these reasons, this variant has been classified as Pathogenic. This premature translational stop signal has been observed in individual(s) with clinical features of ABCA4-related conditions (PMID: 21911583). This variant is not present in population databases (gnomAD no frequency).

Literature cited by the submitters: PubMed 10958761; PubMed 24938718; PubMed 25312043; PubMed 26780318; PubMed 21911583.

NM_000350.3(ABCA4):c.355_356del (p.Ser119fs)

Gene: ABCA4 (ATP binding cassette subfamily A member 4; minus strand). Cytogenetic location: 1p22.1.
Variant type: Microsatellite.
Coding change: c.355_356del on transcript NM_000350.3 (MANE Select); coding-DNA positions 355 to 356, 2 bases deleted (AG; older notation c.355_356delAG).
Protein change: p.Ser119fs; shifts the reading frame from serine 119.
Molecular consequence: frameshift variant.
Genome position (GRCh38, 1-based): chr1:94,108,663-94,108,664, CT deleted on the plus strand (AG on the coding strand, the reverse complement: ABCA4 is on the minus strand); deleting any 2 consecutive bases within chr1:94,108,663-94,108,668 gives the same sequence; the c. name uses the placement nearest the transcript's 3' end. VCF-style (leftmost placement, unchanged base first): chr1-94108662-GCT-G. GRCh37 (hg19) VCF-style: chr1-94574218-GCT-G.
Other names: c.351_352AG[2], p.Ser119Profs (NM_001425324.1); short protein forms S119fs.
Identifiers: ClinVar variation 2202810 (VCV002202810.4), dbSNP rs2523999579, ClinGen allele CA645372154.